The following is an entry in ClinVar:

ClinVar aggregate classification (germline): Uncertain significance. Review status: criteria provided, multiple submitters, no conflicts (2 of 4 stars). 2 submissions from 2 submitters: Uncertain significance (2). Last evaluated 2025-01-06.

Conditions:
Epileptic encephalopathy. Identifiers: MedGen C0543888, HP:0200134.

Allele frequency attached by ClinVar (database versions not stated): gnomAD 0.00001; gnomAD exomes 0.00002 and 0.00004; ExAC 0.00003; TOPMed 0.00003.

Submissions (2):

Labcorp Genetics (formerly Invitae), Labcorp
Classification: Uncertain significance for Epileptic encephalopathy. Last evaluated: 2025-01-06. Review status: criteria provided, single submitter. Criteria: Invitae Variant Classification Sherloc (09022015). Collection method: clinical testing. Allele origin: germline.
Comment: This sequence change replaces glutamic acid, which is acidic and polar, with lysine, which is basic and polar, at codon 1435 of the FASN protein (p.Glu1435Lys). This variant is present in population databases (rs756527893, gnomAD 0.02%). This variant has not been reported in the literature in individuals affected with FASN-related conditions. ClinVar contains an entry for this variant (Variation ID: 582199). An algorithm developed to predict the effect of missense changes on protein structure and function (PolyPhen-2) suggests that this variant is likely to be tolerated. In summary, the available evidence is currently insufficient to determine the role of this variant in disease. Therefore, it has been classified as a Variant of Uncertain Significance.

Ambry Genetics
Classification: Uncertain significance. Last evaluated: 2023-02-16. Review status: criteria provided, single submitter. Criteria: Ambry Variant Classification Scheme 2023. Collection method: clinical testing. Allele origin: germline.

NM_004104.5(FASN):c.4303G>A (p.Glu1435Lys)

Gene: FASN (fatty acid synthase; minus strand). Cytogenetic location: 17q25.3.
Variant type: single nucleotide variant.
Coding change: c.4303G>A on transcript NM_004104.5 (MANE Select); coding-DNA position 4303, G replaced by A.
Protein change: p.Glu1435Lys; replaces glutamic acid 1435 with lysine.
Molecular consequence: missense variant.
Genome position (GRCh38, 1-based): chr17:82,085,141, C>T on the plus strand (G>A on the coding strand, the complement: FASN is on the minus strand). VCF-style: chr17-82085141-C-T. GRCh37 (hg19) VCF-style: chr17-80043017-C-T.
Other names: short protein forms E1435K.
Identifiers: ClinVar variation 582199 (VCV000582199.11), dbSNP rs756527893, ClinGen allele CA8852096.